The following is an entry in ClinVar:

ClinVar aggregate classification (germline): Likely pathogenic (1 of 4 stars; one submission).

Submission:

Labcorp Genetics (formerly Invitae), Labcorp
Classification: Likely pathogenic. Last evaluated: 2020-08-25. Review status: criteria provided, single submitter. Criteria: Invitae Variant Classification Sherloc (09022015). Collection method: clinical testing. Allele origin: germline.
Comment: In summary, the currently available evidence indicates that the variant is pathogenic, but additional data are needed to prove that conclusively. Therefore, this variant has been classified as Likely Pathogenic. Loss-of-function variants in COL4A5 are known to be pathogenic (PMID: 9195222, 10752524, 14514738, 24854265, 26809805). This variant has not been reported in the literature in individuals with COL4A5-related conditions. This variant results in a copy number gain of the genomic region encompassing exon(s) 2-29 of the COL4A5 gene. While the exact position of this variant cannot be determined from the data, sub-genic copy number gains are generally in tandem (PMID: 25640679). This variant is predicted to be out-of-frame, and may result in an absent or disrupted protein product.

Literature cited by the submitters: PubMed 9195222; PubMed 10752524; PubMed 14514738; PubMed 24854265; PubMed 26809805; PubMed 25640679.

NC_000023.10:g.(?_107782956)_(107852872_?)dup

Gene: COL4A5 (collagen type IV alpha 5 chain; plus strand). Cytogenetic location: Xq22.3.
Variant type: Duplication.
Identifiers: ClinVar variation 1067959 (VCV001067959.5).